The following is an entry in ClinVar:

NM_014334.4(FRRS1L):c.-107C>A

Gene: FRRS1L (ferric chelate reductase 1 like; minus strand). Cytogenetic location: 9q31.3.
Variant type: single nucleotide variant.
Coding change: c.-107C>A on transcript NM_014334.4 (MANE Select); 107 bases upstream of the start codon, C replaced by A.
Molecular consequence: 5 prime UTR variant.
Genome position (GRCh38, 1-based): chr9:109,167,245, G>T on the plus strand (C>A on the coding strand, the complement: FRRS1L is on the minus strand). VCF-style: chr9-109167245-G-T. GRCh37 (hg19) VCF-style: chr9-111929525-G-T.
Other names: c.47C>A (NM_014334.2).
Identifiers: ClinVar variation 2897003 (VCV002897003.4), dbSNP rs1456840977, ClinGen allele CA374431090.

ClinVar aggregate classification (germline): Uncertain significance. Review status: criteria provided, multiple submitters, no conflicts (2 of 4 stars). 2 submissions from 2 submitters: Uncertain significance (2). Last evaluated 2025-12-22.

Conditions:
Inborn genetic diseases. Identifiers: MedGen C0950123, MeSH D030342.
Developmental and epileptic encephalopathy, 37 (DEE37). Also called: Epileptic encephalopathy, early infantile, 37. Identifiers: MedGen C4310770, MONDO:0014859, OMIM 616981.

gnomAD v4.1: 4 of 1,392,892 alleles (0.00029%); highest among the groups gnomAD compares: Non-Finnish European, 0.00037%; no homozygotes.

Submissions (2):

Labcorp Genetics (formerly Invitae), Labcorp
Classification: Uncertain significance for Developmental and epileptic encephalopathy, 37. Last evaluated: 2025-12-22. Review status: criteria provided, single submitter. Criteria: Invitae Variant Classification Sherloc (09022015). Collection method: clinical testing. Allele origin: germline.
Comment: This sequence change replaces alanine, which is neutral and non-polar, with aspartic acid, which is acidic and polar, at codon 16 of the FRRS1L protein (p.Ala16Asp). This variant is not present in population databases (gnomAD no frequency). This variant has not been reported in the literature in individuals affected with FRRS1L-related conditions. ClinVar contains an entry for this variant (Variation ID: 2897003). Experimental studies and prediction algorithms are not available or were not evaluated, and the functional significance of this variant is currently unknown. In summary, the available evidence is currently insufficient to determine the role of this variant in disease. Therefore, it has been classified as a Variant of Uncertain Significance.

Ambry Genetics
Classification: Uncertain significance for Inborn genetic diseases. Last evaluated: 2025-08-04. Review status: criteria provided, single submitter. Criteria: Ambry Variant Classification Scheme 2023. Collection method: clinical testing. Allele origin: germline.